The following is an entry in ClinVar:

ClinVar aggregate classification (germline): Likely pathogenic (1 of 4 stars; one submission).

Submission:

Labcorp Genetics (formerly Invitae), Labcorp
Classification: Likely pathogenic. Last evaluated: 2025-07-27. Review status: criteria provided, single submitter. Criteria: Invitae Variant Classification Sherloc (09022015). Collection method: clinical testing. Allele origin: germline.
Comment: This sequence change replaces glycine, which is neutral and non-polar, with valine, which is neutral and non-polar, at codon 675 of the COL2A1 protein (p.Gly675Val). This variant is not present in population databases (gnomAD no frequency). This variant has not been reported in the literature in individuals affected with COL2A1-related conditions. Invitae Evidence Modeling of protein sequence and biophysical properties (such as structural, functional, and spatial information, amino acid conservation, physicochemical variation, residue mobility, and thermodynamic stability) indicates that this missense variant is expected to disrupt COL2A1 protein function with a positive predictive value of 95%. This variant disrupts the triple helix domain of COL2A1. Glycine residues within the Gly-Xaa-Yaa repeats of the triple helix domain are required for the structure and stability of fibrillar collagens (PMID: 7695699, 8218237, 19344236). In COL2A1, variants affecting these glycine residues are significantly enriched in individuals with disease (PMID: 9016532, 17078022) compared to the general population (ExAC). This variant disrupts the p.Gly675 amino acid residue in COL2A1. Other variant(s) that disrupt this residue have been observed in individuals with COL2A1-related conditions (PMID: 26985960; internal data), which suggests that this may be a clinically significant amino acid residue. In summary, the currently available evidence indicates that the variant is pathogenic, but additional data are needed to prove that conclusively. Therefore, this variant has been classified as Likely Pathogenic.

Literature cited by the submitters: PubMed 7695699; PubMed 8218237; PubMed 19344236; PubMed 9016532; PubMed 17078022; PubMed 26985960.

NM_001844.5(COL2A1):c.2024G>T (p.Gly675Val)

Gene: COL2A1 (collagen type II alpha 1 chain; minus strand). Cytogenetic location: 12q13.11.
Variant type: single nucleotide variant.
Coding change: c.2024G>T on transcript NM_001844.5 (MANE Select); coding-DNA position 2024, G replaced by T.
Protein change: p.Gly675Val; replaces glycine 675 with valine.
Molecular consequence: missense variant.
Genome position (GRCh38, 1-based): chr12:47,983,410, C>A on the plus strand (G>T on the coding strand, the complement: COL2A1 is on the minus strand). VCF-style: chr12-47983410-C-A. GRCh37 (hg19) VCF-style: chr12-48377193-C-A.
Other names: c.1817G>T, p.Gly606Val (NM_033150.3); short protein forms G675V, G606V.
Identifiers: ClinVar variation 4747062 (VCV004747062.1).
Genomic context (GRCh38, chr12:47,983,410, plus strand): 5'-AAACAGGTTGCAGGTCCAAAGAGCCCCATACTCACCTGGTCACCTGGTTTTCCACCTTCA[C>A]CTGGGGGACCAGGAGGGCCAGGAAGTCCCTAGAAGCCGAAGTGACAAGCGTTAGCAAAGG-3'
Protein context (NP_001835.3, residues 665-685): QGLPGPPGPP[Gly675Val]EGGKPGDQGV